The following is an entry in ClinVar:

NM_014251.3(SLC25A13):c.1547G>A (p.Gly516Glu)

Gene: SLC25A13 (solute carrier family 25 member 13; minus strand). Cytogenetic location: 7q21.3.
Variant type: single nucleotide variant.
Coding change: c.1547G>A on transcript NM_014251.3 (MANE Select); coding-DNA position 1547, G replaced by A.
Protein change: p.Gly516Glu; replaces glycine 516 with glutamic acid.
Molecular consequence: missense variant. On other transcripts: non-coding transcript variant (1).
Genome position (GRCh38, 1-based): chr7:96,131,787, C>T on the plus strand (G>A on the coding strand, the complement: SLC25A13 is on the minus strand). VCF-style: chr7-96131787-C-T. GRCh37 (hg19) VCF-style: chr7-95761099-C-T.
Other names: c.1547G>A (NM_014251.2); c.1550G>A, p.Gly517Glu (NM_001160210.2); short protein forms G516E, G517E.
Identifiers: ClinVar variation 1038344 (VCV001038344.9), dbSNP rs763244253, ClinGen allele CA368259480.

ClinVar aggregate classification (germline): Uncertain significance. Review status: criteria provided, multiple submitters, no conflicts (2 of 4 stars). 4 submissions from 4 submitters: Uncertain significance (3). 1 of the submissions does not count toward it. Last evaluated 2026-04-17.

Conditions:
SLC25A13-related disorder. Also called: SLC25A13-related condition.
Citrullinemia. Identifiers: Orphanet 187, MedGen C0175683, MONDO:0015991.
Inborn genetic diseases. Identifiers: MedGen C0950123, MeSH D030342.
Citrin deficiency. Identifiers: Orphanet 247582, MedGen C1997910, MONDO:0016602.

Allele frequency attached by ClinVar (database versions not stated): gnomAD 0.00001; TOPMed 0.00001.
gnomAD v4.1: 5 of 1,613,916 alleles (0.00031%); highest among the groups gnomAD compares: Admixed American, 0.005%; no homozygotes.

Submissions (4):

PreventionGenetics, part of Exact Sciences
Classification: Uncertain significance for SLC25A13-related condition. Last evaluated: 2026-04-17. Review status: criteria provided, single submitter. Criteria: ACMG Guidelines, 2015. Collection method: clinical testing. Allele origin: germline.
Comment: The SLC25A13 c.1547G>A variant is predicted to result in the amino acid substitution p.Gly516Glu. To our knowledge, this variant has not been reported in the literature. This variant is reported in 0.0029% of alleles in individuals of Latino descent in gnomAD. At this time, the clinical significance of this variant is uncertain due to the absence of conclusive functional and genetic evidence.

Ambry Genetics
Classification: Uncertain significance for Inborn genetic diseases. Last evaluated: 2025-08-10. Review status: criteria provided, single submitter. Criteria: Ambry Variant Classification Scheme 2023. Collection method: clinical testing. Allele origin: germline.

Labcorp Genetics (formerly Invitae), Labcorp
Classification: Uncertain significance for Citrin deficiency. Last evaluated: 2021-08-13. Review status: criteria provided, single submitter. Criteria: Invitae Variant Classification Sherloc (09022015). Collection method: clinical testing. Allele origin: germline.
Comment: This sequence change replaces glycine with glutamic acid at codon 516 of the SLC25A13 protein (p.Gly516Glu). The glycine residue is highly conserved and there is a moderate physicochemical difference between glycine and glutamic acid. This variant is not present in population databases (ExAC no frequency). This variant has not been reported in the literature in individuals affected with SLC25A13-related conditions. Algorithms developed to predict the effect of missense changes on protein structure and function are either unavailable or do not agree on the potential impact of this missense change (SIFT: "Deleterious"; PolyPhen-2: "Probably Damaging"; Align-GVGD: "Class C0"). In summary, the available evidence is currently insufficient to determine the role of this variant in disease. Therefore, it has been classified as a Variant of Uncertain Significance.

Natera, Inc.
Classification: Uncertain significance for Citrullinemia. Last evaluated: 2020-02-26. Review status: no assertion criteria provided. Collection method: clinical testing. Allele origin: germline. Not counted in ClinVar's aggregate classification.